The following is an entry in ClinVar:

ClinVar aggregate classification (germline): Pathogenic. Review status: criteria provided, multiple submitters, no conflicts (2 of 4 stars). 2 submissions from 2 submitters: Pathogenic (2). Last evaluated 2018-10-01.

Conditions:
Chuvash polycythemia. Also called: POLYCYTHEMIA, VHL-DEPENDENT. Identifiers: Orphanet 238557, MedGen C1837915, MONDO:0009892, OMIM 263400.
Von Hippel-Lindau syndrome (VHLS). Also called: Von Hippel-Lindau; VHL syndrome; von Hippel–Lindau syndrome. Identifiers: Orphanet 892, MedGen C0019562, MONDO:0008667, OMIM 193300. Disease mechanism: loss of function.
Hereditary cancer-predisposing syndrome. Also called: Hereditary Cancer Syndrome; Tumor predisposition; Neoplastic Syndromes, Hereditary; Hereditary neoplastic syndrome. Identifiers: Orphanet 140162, MedGen C0027672, MeSH D009386, MONDO:0015356.

Submissions (2):

Labcorp Genetics (formerly Invitae), Labcorp
Classification: Pathogenic for Von Hippel-Lindau syndrome; Chuvash polycythemia. Last evaluated: 2018-10-01. Review status: criteria provided, single submitter. Criteria: Invitae Variant Classification Sherloc (09022015). Collection method: clinical testing. Allele origin: germline.
Comment: This sequence change replaces proline with leucine at codon 154 of the VHL protein (p.Pro154Leu). The proline residue is highly conserved and there is a moderate physicochemical difference between proline and leucine. This variant is not present in population databases (ExAC no frequency). This variant has been observed in several individuals and families affected with von Hippel-Lindau syndrome (PMID: 20660572, 23143947, 7987306, 25867206, 17024664, 8956040). This variant is also known as c.674C>T (p.Pro225Leu) in the literature. Experimental studies have shown that this missense change affects HIF1 alpha degradation due to a reduced interaction with TBP1 and the proteasome (PMID: 14556007). Algorithms developed to predict the effect of sequence changes on RNA splicing suggest that this variant may disrupt the consensus splice site, but this prediction has not been confirmed by published transcriptional studies. For these reasons, this variant has been classified as Pathogenic.

Ambry Genetics
Classification: Pathogenic for Hereditary cancer-predisposing syndrome. Last evaluated: 2014-10-15. Review status: criteria provided, single submitter. Criteria: Ambry Variant Classification Scheme 2023. Collection method: clinical testing. Allele origin: germline.
Comment: The p.P154L pathogenic mutation (also known as c.461C>T), located in coding exon 2 of the VHL gene, results from a C to T substitution at nucleotide position 461. The proline at codon 154 is replaced by leucine, an amino acid with very few similar properties. This alteration has been reported in several affected individuals/families (Crossey PA et al. Hum Mol Genet. 1994 Aug;3(8):1303-8; Whaley JM et al. Am J Hum Genet. 1994 Dec;55(6):1092-102; Banks RE et al. Cancer Res. 2006 Feb 15;66(4):2000-11; Ong KR et al. Hum Mutat. 2007 Feb;28(2):143-9). This alteration was also reported in two family members diagnosed with renal cell carcinoma, and both tumors exhibited loss of heterozygocity for this allele (Prowse AH et al. Am J Hum Genet. 1997 Apr;60(4):765-71). Truncation experiments suggest that this region is critical for p53 binding (Roe JS et al. Mol Cell. 2006 May 5;22(3):395-405). Functional analysis of this variant showed restored FGFR1 internalization and Elongin C binding similar to the wild type allele, however HIF degradation/ubiquitination was similar to that of the null mutant (Hsu T et al. J Biol Chem. 2006 Apr 28;281(17):12069-80). Structural bioinformatics mutation analysis predicts that this variant will leave an unsatisfied hydrogen bonding partner in the main chain of pVHL and that this will significantly change the protein folding altering or preventing required protein interactions (Forman JR et al. Proteins. 2009 Oct;77(1):84-96). This variant is also referred to as p.P225L (c.674C>T) in older literature. Based on the available evidence, p.P154L is classified as a pathogenic mutation.

Literature cited by the submitters: PubMed 20660572 (cited by Labcorp Genetics (formerly Invitae), Labcorp); PubMed 23143947 (cited by Labcorp Genetics (formerly Invitae), Labcorp); PubMed 7987306 (cited by Labcorp Genetics (formerly Invitae), Labcorp); PubMed 25867206 (cited by Labcorp Genetics (formerly Invitae), Labcorp); PubMed 17024664 (cited by Labcorp Genetics (formerly Invitae), Labcorp); PubMed 8956040 (cited by Labcorp Genetics (formerly Invitae), Labcorp); PubMed 14556007 (cited by Labcorp Genetics (formerly Invitae), Labcorp).

NM_000551.4(VHL):c.461C>T (p.Pro154Leu)

Genes: VHL (von Hippel-Lindau tumor suppressor; plus strand), LOC107303340 (3p25 von Hippel-Lindau tumor suppressor, E3 ubiquitin protein ligase Alu-mediated recombination region; plus strand). Cytogenetic location: 3p25.3.
Variant type: single nucleotide variant.
Coding change: c.461C>T on transcript NM_000551.4 (MANE Select); coding-DNA position 461, C replaced by T.
Protein change: p.Pro154Leu; replaces proline 154 with leucine.
Molecular consequence: missense variant. On other transcripts: intron variant (2).
Genome position (GRCh38, 1-based): chr3:10,146,634, C>T. VCF-style: chr3-10146634-C-T. GRCh37 (hg19) VCF-style: chr3-10188318-C-T.
Other names: c.*18-3153C>T (NM_001354723.2); c.341-3153C>T (NM_198156.3); short protein forms P154L.
Identifiers: ClinVar variation 649525 (VCV000649525.11), dbSNP rs1399097617, ClinGen allele CA351754410.